The following is an entry in ClinVar:

ClinVar aggregate classification (germline): Pathogenic (1 of 4 stars; one submission).

Submission:

Labcorp Genetics (formerly Invitae), Labcorp
Classification: Pathogenic. Last evaluated: 2022-11-29. Review status: criteria provided, single submitter. Criteria: Invitae Variant Classification Sherloc (09022015). Collection method: clinical testing. Allele origin: germline.
Comment: A similar copy number variant has been observed in individual(s) with rhabdoid tumors (PMID: 21108436). This variant is a gross deletion of the genomic region encompassing exon(s) 4-5 of the SMARCB1 gene. This deletion is out-of-frame, and is expected to create a premature termination codon and result in an absent or disrupted protein product. Loss-of-function variants in SMARCB1 are known to be pathogenic (PMID: 10521299, 21208904). For these reasons, this variant has been classified as Pathogenic.

Literature cited by the submitters: PubMed 21108436; PubMed 10521299; PubMed 21208904.

NC_000022.10:g.(?_24143121)_(24145619_?)del

Gene: SMARCB1 (SWI/SNF related BAF chromatin remodeling complex subunit B1; plus strand). Cytogenetic location: 22q11.23.
Variant type: Deletion.
Identifiers: ClinVar variation 1455673 (VCV001455673.5).